The following is an entry in ClinVar:

ClinVar aggregate classification (germline): Conflicting classifications of pathogenicity. Review status: criteria provided, conflicting classifications (1 of 4 stars). 7 submissions from 7 submitters: Uncertain significance (5); Likely benign (1). 1 of the submissions does not count toward it. Last evaluated 2026-02-02.

Conditions:
SLC22A5-related disorder. Also called: SLC22A5-related condition.
Renal carnitine transport defect (CDSP). Also called: Primary carnitine deficiency; CARNITINE DEFICIENCY, SYSTEMIC, DUE TO DEFECT IN RENAL REABSORPTION OF CARNITINE; CARNITINE TRANSPORTER, PLASMA-MEMBRANE, DEFICIENCY OF; CARNITINE UPTAKE DEFECT; Systemic primary carnitine deficiency; Systemic primary carnitine deficiency disease. Identifiers: Orphanet 158, MedGen C0342788, MONDO:0008919, OMIM 212140.

Allele frequency attached by ClinVar (database versions not stated): gnomAD exomes 0.00007 and 0.00023; ExAC 0.00023; gnomAD 0.00063; TOPMed 0.00069; ESP Exome Variant Server 0.00092; 1000 Genomes Project 30x 0.00094; 1000 Genomes Project 0.00100.
gnomAD v4.1: 193 of 1,614,168 alleles (0.012%); highest among the groups gnomAD compares: African/African-American, 0.22%; 1 homozygote.

Submissions (7):

Labcorp Genetics (formerly Invitae), Labcorp
Classification: Likely benign for Renal carnitine transport defect. Last evaluated: 2026-02-02. Review status: criteria provided, single submitter. Criteria: Invitae Variant Classification Sherloc (09022015). Collection method: clinical testing. Allele origin: germline.

Mayo Clinic Laboratories, Mayo Clinic
Classification: Uncertain significance. Last evaluated: 2025-09-15. Review status: criteria provided, single submitter. Criteria: ACMG Guidelines, 2015. Collection method: clinical testing. Allele origin: germline. Observed: 2 variant alleles.
Comment: BP4_moderate

GeneDx
Classification: Uncertain significance. Last evaluated: 2025-08-03. Review status: criteria provided, single submitter. Criteria: GeneDx Variant Classification Process June 2021. Collection method: clinical testing. Allele origin: germline. Affected: yes.
Comment: In silico analysis suggests that this missense variant does not alter protein structure/function; Has not been previously published as pathogenic or benign to our knowledge

Giacomini Lab, University of California, San Francisco
Classification: Uncertain significance for Renal carnitine transport defect. Last evaluated: 2022-10-03. Review status: criteria provided, single submitter. Criteria: ACMG Guidelines, 2015. Collection method: research, in vitro. Allele origin: germline, not applicable.

ARUP Laboratories, Molecular Genetics and Genomics, ARUP Laboratories
Classification: Uncertain significance for Renal carnitine transport defect. Last evaluated: 2022-03-22. Review status: criteria provided, single submitter. Criteria: ARUP Molecular Germline Variant Investigation Process 2021. Collection method: clinical testing. Allele origin: germline.
Comment: The SLC22A5 c.1579G>C; p.Val527Leu variant (rs145792427), to our knowledge, is not reported in the medical literature but is reported in ClinVar (Variation ID: 460401). This variant is found in the African population with an overall allele frequency of 0.28% (70/24968 alleles) in the Genome Aggregation Database. The valine at codon 527 is moderately conserved and computational analyses predict that this variant is neutral (REVEL: 0.127). However, due to limited information, the clinical significance of the p.Val527Leu variant is uncertain at this time.

Genome-Nilou Lab
Classification: Uncertain significance for Renal carnitine transport defect. Last evaluated: 2021-07-15. Review status: criteria provided, single submitter. Criteria: ACMG Guidelines, 2015. Collection method: clinical testing. Allele origin: germline. Affected: no.

PreventionGenetics, part of Exact Sciences
Classification: Uncertain significance for SLC22A5-related condition. Last evaluated: 2023-11-16. Review status: no assertion criteria provided. Collection method: clinical testing. Allele origin: germline. Not counted in ClinVar's aggregate classification.
Comment: The SLC22A5 c.1579G>C variant is predicted to result in the amino acid substitution p.Val527Leu. To our knowledge, this variant has not been reported in the literature. This variant is reported in 0.28% of alleles in individuals of African descent in gnomAD. Although we suspect that this variant may be benign, at this time, the clinical significance of this variant is uncertain due to the absence of conclusive functional and genetic evidence.

NM_003060.4(SLC22A5):c.1579G>C (p.Val527Leu)

Gene: SLC22A5 (solute carrier family 22 member 5; plus strand). Cytogenetic location: 5q31.1.
Variant type: single nucleotide variant.
Coding change: c.1579G>C on transcript NM_003060.4 (MANE Select); coding-DNA position 1579, G replaced by C.
Protein change: p.Val527Leu; replaces valine 527 with leucine.
Molecular consequence: missense variant.
Genome position (GRCh38, 1-based): chr5:132,393,804, G>C. VCF-style: chr5-132393804-G-C. GRCh37 (hg19) VCF-style: chr5-131729496-G-C.
Other names: p.Val527Leu; c.1651G>C, p.Val551Leu (NM_001308122.2); short protein forms V527L, V551L.
Identifiers: ClinVar variation 460401 (VCV000460401.34), dbSNP rs145792427, ClinGen allele CA3404201.
Genomic context (GRCh38, chr5:132,393,804, plus strand): 5'-TTGTTTCTCCCAGAGAGCTTCGGTACCCCACTCCCAGACACCATTGACCAGATGCTAAGA[G>C]TCAAAGGGTAAGAAGACCTCCTCTGTCAGTGTTGATGCACTGGGTCTGGGTCTGGCCAGG-3'
Protein context (NP_003051.1, residues 517-537): LPDTIDQMLR[Val527Leu]KGMKHRKTPS